The following is an entry in ClinVar:

NM_000059.4(BRCA2):c.5871del (p.Cys1958fs)

Gene: BRCA2 (BRCA2 DNA repair associated; plus strand). Cytogenetic location: 13q13.1.
Variant type: Deletion.
Coding change: c.5871del on transcript NM_000059.4 (MANE Select); coding-DNA position 5871, one base deleted (A; older notation c.5871delA).
Protein change: p.Cys1958fs; shifts the reading frame from cysteine 1958.
Molecular consequence: frameshift variant.
Genome position (GRCh38, 1-based): chr13:32,340,226, A deleted. VCF-style (leftmost placement, unchanged base first): chr13-32340225-TA-T. GRCh37 (hg19) VCF-style: chr13-32914362-TA-T.
Other names: short protein forms C1958fs.
Identifiers: ClinVar variation 1076813 (VCV001076813.11), dbSNP rs2137521888, ClinGen allele CA2499222214.

ClinVar aggregate classification (germline): Pathogenic. Review status: criteria provided, multiple submitters, no conflicts (2 of 4 stars). 2 submissions from 2 submitters: Pathogenic (2). Last evaluated 2022-03-29.

Conditions:
Hereditary breast ovarian cancer syndrome. Also called: Hereditary breast and ovarian cancer; Breast and ovarian cancer; BRCA1- and BRCA2-Associated Hereditary Breast and Ovarian Cancer; Hereditary breast and/or ovarian cancer syndrome; Hereditary breast and ovarian cancer syndrome; Hereditary breast and ovarian cancer syndrome (HBOC). Identifiers: Orphanet 145, MedGen C0677776, MeSH D061325, MONDO:0003582. Disease mechanism: loss of function.
Hereditary cancer-predisposing syndrome. Also called: Tumor predisposition; Hereditary neoplastic syndrome; Neoplastic Syndromes, Hereditary; Hereditary Cancer Syndrome. Identifiers: Orphanet 140162, MedGen C0027672, MeSH D009386, MONDO:0015356.

Submissions (2):

Ambry Genetics
Classification: Pathogenic for Hereditary cancer-predisposing syndrome. Last evaluated: 2022-03-29. Review status: criteria provided, single submitter. Criteria: Ambry Variant Classification Scheme 2023. Collection method: clinical testing. Allele origin: germline.
Comment: The c.5871delA pathogenic mutation, located in coding exon 10 of the BRCA2 gene, results from a deletion of one nucleotide at nucleotide position 5871, causing a translational frameshift with a predicted alternate stop codon (p.C1958Vfs*5). This variant is considered to be rare based on population cohorts in the Genome Aggregation Database (gnomAD). This alteration is expected to result in loss of function by premature protein truncation or nonsense-mediated mRNA decay. As such, this alteration is interpreted as a disease-causing mutation.

Labcorp Genetics (formerly Invitae), Labcorp
Classification: Pathogenic for Hereditary breast ovarian cancer syndrome. Last evaluated: 2020-02-20. Review status: criteria provided, single submitter. Criteria: Invitae Variant Classification Sherloc (09022015). Collection method: clinical testing. Allele origin: germline.
Comment: This sequence change creates a premature translational stop signal (p.Cys1958Valfs*5) in the BRCA2 gene. It is expected to result in an absent or disrupted protein product. This variant is not present in population databases (ExAC no frequency). This variant has not been reported in the literature in individuals with BRCA2-related conditions. Loss-of-function variants in BRCA2 are known to be pathogenic (PMID: 20104584). For these reasons, this variant has been classified as Pathogenic.

Literature cited by the submitters: PubMed 20104584 (cited by Labcorp Genetics (formerly Invitae), Labcorp).